The following is an entry in ClinVar:

NM_000186.4(CFH):c.1291T>A (p.Cys431Ser)

Gene: CFH (complement factor H; plus strand). Cytogenetic location: 1q31.3.
Variant type: single nucleotide variant.
Coding change: c.1291T>A on transcript NM_000186.4 (MANE Select); coding-DNA position 1291, T replaced by A.
Protein change: p.Cys431Ser; replaces cysteine 431 with serine.
Molecular consequence: missense variant.
Genome position (GRCh38, 1-based): chr1:196,690,194, T>A. VCF-style: chr1-196690194-T-A. GRCh37 (hg19) VCF-style: chr1-196659324-T-A.
Other names: c.1291T>A, p.Cys431Ser (NM_001014975.3); short protein forms C431S.
Identifiers: ClinVar variation 16551 (VCV000016551.7), dbSNP rs121913056, ClinGen allele CA257506.

ClinVar aggregate classification (germline): Likely pathogenic. Review status: criteria provided, multiple submitters, no conflicts (2 of 4 stars). 3 submissions from 3 submitters: Likely pathogenic (2). 1 of the submissions does not count toward it. Last evaluated 2026-09-17.

Conditions:
CFH-related disorder. Also called: CFH-related disorders; CFH-related condition.
Age related macular degeneration 4. Identifiers: MedGen C1853147, MONDO:0012540, OMIM 610698.
Factor H deficiency (CFHD). Also called: COMPLEMENT FACTOR H DEFICIENCY; CFH DEFICIENCY. Identifiers: Orphanet 200421, MedGen C0398777, MONDO:0012350, OMIM 609814.
Basal laminar drusen. Also called: DRUSEN, EARLY ADULT-ONSET, GROUPED; DRUSEN OF BRUCH MEMBRANE; DRUSEN, CUTICULAR. Identifiers: Orphanet 75376, MedGen C0730295, MONDO:0007472, OMIM 126700.

Allele frequency attached by ClinVar (database versions not stated): gnomAD exomes below 0.00001.
gnomAD v4.1: 2 of 1,613,448 alleles (0.00012%); highest among the groups gnomAD compares: South Asian, 0.0011%; no homozygotes.

Submissions (3):

Genomenon, Inc
Classification: Likely pathogenic for Age related macular degeneration 4; Factor H deficiency; Basal laminar drusen. Last evaluated: 2026-09-17. Review status: criteria provided, single submitter. Criteria: Genomenon Sequence Variant Interpretation Standards - Updated. Collection method: curation. Allele origin: germline. Affected: yes.
Comment: CFH p.Cys431Ser (c.1291T>A) is a missense variant that changes the amino acid at codon 431 from cysteine to serine. This variant has been observed in at least one proband affected with a CFH-related disorder (PMID: 26501415; 30905644; 29327071; 14978182; 22456601). The variant was found to segregate with disease in at least one affected family (PMID: 30905644). Functional studies have been reported (PMID: 30905644). It is absent or not present at a significant frequency in gnomAD. In silico models predict that this variant is possibly or probably damaging. In conclusion, we classify CFH p.Cys431Ser (c.1291T>A) as a likely pathogenic variant.

Blueprint Genetics
Classification: Likely pathogenic for CFH-related disorders. Last evaluated: 2024-05-30. Review status: criteria provided, single submitter. Criteria: ACMG Guidelines, 2015. Collection method: clinical testing. Allele origin: germline. Affected: yes. Observed: 4 variant alleles.

OMIM
Classification: Pathogenic for COMPLEMENT FACTOR H DEFICIENCY. Last evaluated: 2004-03-01. Review status: no assertion criteria provided. Collection method: literature only. Allele origin: germline. Not counted in ClinVar's aggregate classification.

Literature cited by the submitters: PubMed 26501415 (cited by Genomenon, Inc); PubMed 30905644 (cited by Genomenon, Inc); PubMed 29327071 (cited by Genomenon, Inc); PubMed 14978182 (cited by Genomenon, Inc and OMIM); PubMed 22456601 (cited by Genomenon, Inc); PubMed 2950269 (cited by OMIM).